The following is an entry in ClinVar:

NM_032043.3(BRIP1):c.2727dup (p.Glu910Ter)

Gene: BRIP1 (BRCA1 interacting DNA helicase 1; minus strand). Cytogenetic location: 17q23.2.
Variant type: Duplication.
Coding change: c.2727dup on transcript NM_032043.3 (MANE Select); coding-DNA position 2727, one base duplicated (T; older notation c.2727dupT).
Protein change: p.Glu910Ter; replaces glutamic acid 910 with a stop codon.
Molecular consequence: nonsense.
Genome position (GRCh38, 1-based): chr17:61,686,014, A duplicated on the plus strand (T on the coding strand, the reverse complement: BRIP1 is on the minus strand); the first of 2 consecutive A bases (chr17:61,686,014-61,686,015); duplicating either gives the same sequence. VCF-style (leftmost placement, unchanged base first): chr17-61686013-C-CA. GRCh37 (hg19) VCF-style: chr17-59763374-C-CA.
Other names: short protein forms E910*.
Identifiers: ClinVar variation 3148684 (VCV003148684.1), dbSNP rs2544572421, ClinGen allele CA2825002551.

ClinVar aggregate classification (germline): Pathogenic (1 of 4 stars; one submission).

Conditions:
Familial cancer of breast. Also called: BREAST CANCER, FAMILIAL; Hereditary breast cancer; hereditary breast carcinoma. Identifiers: Orphanet 227535, MedGen C0346153, MONDO:0016419, OMIM 114480. Disease mechanism: loss of function.

Submission:

Myriad Genetics, Inc.
Classification: Pathogenic for Familial cancer of breast. Last evaluated: 2024-01-23. Review status: criteria provided, single submitter. Criteria: Myriad Autosomal Dominant, Autosomal Recessive and X-Linked Classification Criteria (2023). Collection method: clinical testing. Allele origin: unknown.
Comment: This variant is considered pathogenic. This variant creates a termination codon and is predicted to result in premature protein truncation.